The following is an entry in ClinVar:

NM_003073.5(SMARCB1):c.1154G>C (p.Trp385Ser)

Gene: SMARCB1 (SWI/SNF related BAF chromatin remodeling complex subunit B1; plus strand). Cytogenetic location: 22q11.23.
Variant type: single nucleotide variant.
Coding change: c.1154G>C on transcript NM_003073.5 (MANE Select); coding-DNA position 1154, G replaced by C.
Protein change: p.Trp385Ser; replaces tryptophan 385 with serine.
Molecular consequence: missense variant.
Genome position (GRCh38, 1-based): chr22:23,834,176, G>C. VCF-style: chr22-23834176-G-C. GRCh37 (hg19) VCF-style: chr22-24176363-G-C.
Other names: c.1127G>C, p.Trp376Ser (NM_001007468.3); c.1181G>C, p.Trp394Ser (NM_001317946.2); c.1208G>C, p.Trp403Ser (NM_001362877.2); short protein forms W385S, W376S, W394S, W403S.
Identifiers: ClinVar variation 4170239 (VCV004170239.1).
Genomic context (GRCh38, chr22:23,834,176, plus strand): 5'-ATTGCCCTCCCCACTCCTCTTCCAGGCGGATGAGGCGTCTTGCCAACACGGCCCCGGCCT[G>C]GTAACCAGCCCATCAGCACACGGCTCCCACGGAGCATCTCAGAAGATTGGGCCGCCTCTC-3'
Protein context (NP_003064.2, residues 375-385): MRRLANTAPA[Trp385Ser]

ClinVar aggregate classification (germline): Uncertain significance (1 of 4 stars; one submission).

Conditions:
Hereditary cancer-predisposing syndrome. Also called: Neoplastic Syndromes, Hereditary; Tumor predisposition; Hereditary Cancer Syndrome; Hereditary neoplastic syndrome. Identifiers: Orphanet 140162, MedGen C0027672, MeSH D009386, MONDO:0015356.

Submission:

Ambry Genetics
Classification: Uncertain significance for Hereditary cancer-predisposing syndrome. Last evaluated: 2025-07-19. Review status: criteria provided, single submitter. Criteria: Ambry Variant Classification Scheme 2023. Collection method: clinical testing. Allele origin: germline.
Comment: The p.W385S variant (also known as c.1154G>C), located in coding exon 9 of the SMARCB1 gene, results from a G to C substitution at nucleotide position 1154. The tryptophan at codon 385 is replaced by serine, an amino acid with highly dissimilar properties. This amino acid position is conserved. In addition, this alteration is predicted to be deleterious by in silico analysis. Based on the available evidence, the clinical significance of this variant remains unclear.